The following is an entry in ClinVar:

NM_001242896.3(DEPDC5):c.2118G>C (p.Arg706Ser)

Gene: DEPDC5 (DEP domain containing 5, GATOR1 subcomplex subunit; plus strand). Cytogenetic location: 22q12.3.
Variant type: single nucleotide variant.
Coding change: c.2118G>C on transcript NM_001242896.3 (MANE Select); coding-DNA position 2118, G replaced by C.
Protein change: p.Arg706Ser; replaces arginine 706 with serine.
Molecular consequence: missense variant. On other transcripts: non-coding transcript variant (5).
Genome position (GRCh38, 1-based): chr22:31,833,928, G>C. VCF-style: chr22-31833928-G-C. GRCh37 (hg19) VCF-style: chr22-32229914-G-C.
Other names: c.2118G>C, p.Arg706Ser (NM_001136029.4, NM_001363852.2, NM_001364318.2 and 3 more transcripts); c.1884G>C, p.Arg628Ser (NM_001242897.2, NM_001363854.2, NM_001364319.2); c.2034G>C, p.Arg678Ser (NM_001369901.1, NM_001369902.1); c.2118G>C (NM_001242896.1); short protein forms R628S, R678S, R706S.
Identifiers: ClinVar variation 1721345 (VCV001721345.6), dbSNP rs2519790190, ClinGen allele CA411284254.

ClinVar aggregate classification (germline): Uncertain significance. Review status: criteria provided, multiple submitters, no conflicts (2 of 4 stars). 2 submissions from 2 submitters: Uncertain significance (2). Last evaluated 2025-04-04.

Conditions:
Familial focal epilepsy with variable foci (FPEVF). Identifiers: Orphanet 98820, MedGen C1858477, MONDO:0020310.

Submissions (2):

GeneDx
Classification: Uncertain significance. Last evaluated: 2025-04-04. Review status: criteria provided, single submitter. Criteria: GeneDx Variant Classification Process June 2021. Collection method: clinical testing. Allele origin: germline. Affected: yes.
Comment: Not observed at significant frequency in large population cohorts (gnomAD); In silico analysis indicates that this missense variant does not alter protein structure/function; Has not been previously published as pathogenic or benign to our knowledge

Labcorp Genetics (formerly Invitae), Labcorp
Classification: Uncertain significance for Familial focal epilepsy with variable foci. Last evaluated: 2024-04-29. Review status: criteria provided, single submitter. Criteria: Invitae Variant Classification Sherloc (09022015). Collection method: clinical testing. Allele origin: germline.
Comment: This sequence change replaces arginine, which is basic and polar, with serine, which is neutral and polar, at codon 706 of the DEPDC5 protein (p.Arg706Ser). This variant is not present in population databases (gnomAD no frequency). This variant has not been reported in the literature in individuals affected with DEPDC5-related conditions. ClinVar contains an entry for this variant (Variation ID: 1721345). Experimental studies and prediction algorithms are not available or were not evaluated, and the functional significance of this variant is currently unknown. In summary, the available evidence is currently insufficient to determine the role of this variant in disease. Therefore, it has been classified as a Variant of Uncertain Significance.